The following is an entry in ClinVar:

ClinVar aggregate classification (germline): Conflicting classifications of pathogenicity. Review status: criteria provided, conflicting classifications (1 of 4 stars). 3 submissions from 3 submitters: Likely pathogenic (1); Likely benign (2). Last evaluated 2022-01-12.

Conditions:
Intellectual developmental disorder, autosomal dominant 6, with or without seizures. Also called: Intellectual disability, autosomal dominant 6; GRIN2B-related developmental delay, intellectual disability and autism spectrum disorder. Identifiers: Orphanet 589547, MedGen C3151411, MONDO:0013509, OMIM 613970.
Developmental and epileptic encephalopathy, 27 (DEE27). Also called: GRIN2B-Related Neurodevelopmental Disorder; Epileptic encephalopathy, early infantile, 27. Identifiers: Orphanet 3451, MedGen C4015316, MONDO:0014505, OMIM 616139.
Cerebral palsy. Identifiers: MedGen C0007789, MONDO:0006497, HP:0100021.

Allele frequency attached by ClinVar (database versions not stated): gnomAD 0.00001; gnomAD exomes below 0.00001; TOPMed 0.00001; ESP Exome Variant Server 0.00008.
gnomAD v4.1: 8 of 1,613,610 alleles (0.0005%); highest among the groups gnomAD compares: Non-Finnish European, 0.00059%; no homozygotes.

Submissions (3):

Labcorp Genetics (formerly Invitae), Labcorp
Classification: Likely benign for Developmental and epileptic encephalopathy, 27; Intellectual developmental disorder, autosomal dominant 6, with or without seizures. Last evaluated: 2022-01-12. Review status: criteria provided, single submitter. Criteria: Invitae Variant Classification Sherloc (09022015). Collection method: clinical testing. Allele origin: germline.

Neurogenetics Research Program, University of Adelaide
Classification: Likely pathogenic for Cerebral palsy. Last evaluated: 2021-06-10. Review status: criteria provided, single submitter. Criteria: ACMG Guidelines, 2015. Collection method: research. Allele origin: unknown. Affected: yes. Observed: 1 variant allele.
Comment: Novel mutation in GRIN2B pore domain

GeneDx
Classification: Likely benign. Last evaluated: 2019-08-20. Review status: criteria provided, single submitter. Criteria: GeneDx Variant Classification Process June 2021. Collection method: clinical testing. Allele origin: germline. Affected: yes.
Comment: In silico analysis, which includes protein predictors and evolutionary conservation, supports that this variant does not alter protein structure/function; Has not been previously published as pathogenic or benign to our knowledge

NM_000834.5(GRIN2B):c.1739T>A (p.Phe580Tyr)

Gene: GRIN2B (glutamate ionotropic receptor NMDA type subunit 2B; minus strand). Cytogenetic location: 12p13.1.
Variant type: single nucleotide variant.
Coding change: c.1739T>A on transcript NM_000834.5 (MANE Select); coding-DNA position 1739, T replaced by A.
Protein change: p.Phe580Tyr; replaces phenylalanine 580 with tyrosine.
Molecular consequence: missense variant.
Genome position (GRCh38, 1-based): chr12:13,611,766, A>T on the plus strand (T>A on the coding strand, the complement: GRIN2B is on the minus strand). VCF-style: chr12-13611766-A-T. GRCh37 (hg19) VCF-style: chr12-13764700-A-T.
Other names: short protein forms F580Y.
Identifiers: ClinVar variation 1139464 (VCV001139464.13), dbSNP rs199801114, ClinGen allele CA233010395.